The following is an entry in ClinVar:

ClinVar aggregate classification (germline): Uncertain significance (1 of 4 stars; one submission).

Conditions:
Amyotrophic lateral sclerosis type 1 (ALS1). Also called: AMYOTROPHIC LATERAL SCLEROSIS 1, FAMILIAL. Identifiers: Orphanet 803, MedGen C1862939, MONDO:0007103, OMIM 105400.
Neuronopathy, distal hereditary motor, type 7B. Also called: NEURONOPATHY, DISTAL HEREDITARY MOTOR, AUTOSOMAL DOMINANT 14; NEURONOPATHY, DISTAL HEREDITARY MOTOR, HARDING TYPE VIIB; NEUROPATHY, DISTAL HEREDITARY MOTOR, HARDING TYPE VIIB; NEUROPATHY, DISTAL HEREDITARY MOTOR, WITH VOCAL CORD PARALYSIS, HARDING TYPE VIIB; HMN VIIB; LOWER MOTOR NEURON DISEASE, DYNACTIN TYPE. Identifiers: Orphanet 139589, MedGen C1843315, MONDO:0011879, OMIM 607641.
Perry syndrome. Also called: PARKINSONISM WITH ALVEOLAR HYPOVENTILATION AND MENTAL DEPRESSION. Identifiers: Orphanet 178509, MedGen C1868594, MONDO:0008201, OMIM 168605.

gnomAD v4.1: 3 of 1,613,524 alleles (0.00019%); highest among the groups gnomAD compares: African/African-American, 0.0013%; no homozygotes.

Submission:

Labcorp Genetics (formerly Invitae), Labcorp
Classification: Uncertain significance for Amyotrophic lateral sclerosis type 1; Neuronopathy, distal hereditary motor, type 7B; Perry syndrome. Last evaluated: 2024-10-14. Review status: criteria provided, single submitter. Criteria: Invitae Variant Classification Sherloc (09022015). Collection method: clinical testing. Allele origin: germline.
Comment: This sequence change replaces aspartic acid, which is acidic and polar, with glycine, which is neutral and non-polar, at codon 1170 of the DCTN1 protein (p.Asp1170Gly). This variant is present in population databases (no rsID available, gnomAD 0.003%). This variant has not been reported in the literature in individuals affected with DCTN1-related conditions. Invitae Evidence Modeling of protein sequence and biophysical properties (such as structural, functional, and spatial information, amino acid conservation, physicochemical variation, residue mobility, and thermodynamic stability) has been performed for this missense variant. However, the output from this modeling did not meet the statistical confidence thresholds required to predict the impact of this variant on DCTN1 protein function. In summary, the available evidence is currently insufficient to determine the role of this variant in disease. Therefore, it has been classified as a Variant of Uncertain Significance.

NM_004082.5(DCTN1):c.3509A>G (p.Asp1170Gly)

Gene: DCTN1 (dynactin subunit 1; minus strand). Cytogenetic location: 2p13.1.
Variant type: single nucleotide variant.
Coding change: c.3509A>G on transcript NM_004082.5 (MANE Select); coding-DNA position 3509, A replaced by G.
Protein change: p.Asp1170Gly; replaces aspartic acid 1170 with glycine.
Molecular consequence: missense variant. On other transcripts: non-coding transcript variant (1).
Genome position (GRCh38, 1-based): chr2:74,363,014, T>C on the plus strand (A>G on the coding strand, the complement: DCTN1 is on the minus strand). VCF-style: chr2-74363014-T-C. GRCh37 (hg19) VCF-style: chr2-74590141-T-C.
Other names: c.3458A>G, p.Asp1153Gly (NM_001378991.1); c.3440A>G, p.Asp1147Gly (NM_001378992.1); c.3107A>G, p.Asp1036Gly (NM_023019.4); c.3434A>G, p.Asp1145Gly (NM_001135040.3); c.3092A>G, p.Asp1031Gly (NM_001135041.3); c.3383A>G, p.Asp1128Gly (NM_001190836.2); c.3488A>G, p.Asp1163Gly (NM_001190837.2); short protein forms D1031G, D1036G, D1128G, D1145G, D1147G, D1153G, D1163G, D1170G.
Identifiers: ClinVar variation 3750855 (VCV003750855.2).